The following is an entry in ClinVar:

NM_001558.4(IL10RA):c.16G>C (p.Val6Leu)

Gene: IL10RA (interleukin 10 receptor subunit alpha; plus strand). Cytogenetic location: 11q23.3.
Variant type: single nucleotide variant.
Coding change: c.16G>C on transcript NM_001558.4 (MANE Select); coding-DNA position 16, G replaced by C.
Protein change: p.Val6Leu; replaces valine 6 with leucine.
Molecular consequence: missense variant. On other transcripts: non-coding transcript variant (1).
Genome position (GRCh38, 1-based): chr11:117,986,483, G>C. VCF-style: chr11-117986483-G-C. GRCh37 (hg19) VCF-style: chr11-117857198-G-C.
Other names: p.Val6Leu; short protein forms V6L.
Identifiers: ClinVar variation 658749 (VCV000658749.7), dbSNP rs989694807, ClinGen allele CA229439384.

ClinVar aggregate classification (germline): Uncertain significance. Review status: criteria provided, multiple submitters, no conflicts (2 of 4 stars). 2 submissions from 2 submitters: Uncertain significance (2). Last evaluated 2025-05-07.

Conditions:
Inflammatory bowel disease 28. Also called: Inflammatory bowel disease 28, early onset, autosomal recessive. Identifiers: Orphanet 238569, MedGen C2751053, MONDO:0013153, OMIM 613148.

Allele frequency attached by ClinVar (database versions not stated): gnomAD 0.00001; gnomAD exomes 0.00001; TOPMed 0.00002.
gnomAD v4.1: 9 of 1,555,998 alleles (0.00058%); highest among the groups gnomAD compares: Middle Eastern, 0.018%; no homozygotes.

Submissions (2):

Mayo Clinic Laboratories, Mayo Clinic
Classification: Uncertain significance. Last evaluated: 2025-05-07. Review status: criteria provided, single submitter. Criteria: ACMG Guidelines, 2015. Collection method: clinical testing. Allele origin: germline. Observed: 1 variant allele.
Comment: BP4_moderate

Labcorp Genetics (formerly Invitae), Labcorp
Classification: Uncertain significance for Inflammatory bowel disease 28. Last evaluated: 2021-08-24. Review status: criteria provided, single submitter. Criteria: Invitae Variant Classification Sherloc (09022015). Collection method: clinical testing. Allele origin: germline.
Comment: This sequence change replaces valine with leucine at codon 6 of the IL10RA protein (p.Val6Leu). The valine residue is weakly conserved and there is a small physicochemical difference between valine and leucine. This variant is not present in population databases (ExAC no frequency). This variant has not been reported in the literature in individuals affected with IL10RA-related conditions. Algorithms developed to predict the effect of missense changes on protein structure and function output the following: SIFT: "Tolerated"; PolyPhen-2: "Not Available"; Align-GVGD: "Class C0". The leucine amino acid residue is found in multiple mammalian species, which suggests that this missense change does not adversely affect protein function. In summary, the available evidence is currently insufficient to determine the role of this variant in disease. Therefore, it has been classified as a Variant of Uncertain Significance.